The following is an entry in ClinVar:

ClinVar aggregate classification (germline): Pathogenic (1 of 4 stars; one submission).

Conditions:
Familial hemophagocytic lymphohistiocytosis 3 (FHL3). Also called: UNC13D-Related Familial Hemophagocytic Lymphohistiocytosis (UNC13D-fHLH). Identifiers: Orphanet 540, MedGen C1837174, MONDO:0012146, OMIM 608898.

Submission:

Labcorp Genetics (formerly Invitae), Labcorp
Classification: Pathogenic for Familial hemophagocytic lymphohistiocytosis 3. Last evaluated: 2024-02-04. Review status: criteria provided, single submitter. Criteria: Invitae Variant Classification Sherloc (09022015). Collection method: clinical testing. Allele origin: germline.
Comment: This sequence change creates a premature translational stop signal (p.Val785Cysfs*9) in the UNC13D gene. It is expected to result in an absent or disrupted protein product. Loss-of-function variants in UNC13D are known to be pathogenic (PMID: 14622600). This variant is not present in population databases (gnomAD no frequency). This variant has not been reported in the literature in individuals affected with UNC13D-related conditions. For these reasons, this variant has been classified as Pathogenic.

Literature cited by the submitters: PubMed 14622600.

NM_199242.3(UNC13D):c.2352_2355del (p.Val785fs)

Gene: UNC13D (unc-13 homolog D; minus strand). Cytogenetic location: 17q25.1.
Variant type: Deletion.
Coding change: c.2352_2355del on transcript NM_199242.3 (MANE Select); coding-DNA positions 2352 to 2355, 4 bases deleted (TGTC; older notation c.2352_2355delTGTC).
Protein change: p.Val785fs; shifts the reading frame from valine 785.
Molecular consequence: frameshift variant.
Genome position (GRCh38, 1-based): chr17:75,834,087-75,834,090, GACA deleted on the plus strand (TGTC on the coding strand, the reverse complement: UNC13D is on the minus strand); deleting any 4 consecutive bases within chr17:75,834,087-75,834,093 gives the same sequence; the c. name uses the placement nearest the transcript's 3' end. VCF-style (leftmost placement, unchanged base first): chr17-75834086-GGACA-G. GRCh37 (hg19) VCF-style: chr17-73830167-GGACA-G.
Other names: short protein forms V785fs.
Identifiers: ClinVar variation 3638828 (VCV003638828.2).